The following is an entry in ClinVar:

ClinVar aggregate classification (germline): Conflicting classifications of pathogenicity. Review status: criteria provided, conflicting classifications (1 of 4 stars). 3 submissions from 3 submitters: Pathogenic (1); Likely pathogenic (1); Uncertain significance (1). Last evaluated 2025-10-02.

Conditions:
Nonsyndromic genetic hearing loss. Also called: Nonsyndromic hearing loss and deafness; Non-syndromic genetic deafness; Nonsyndromic genetic deafness. Identifiers: Orphanet 87884, MedGen C5680182, MONDO:0019497.
Autosomal recessive nonsyndromic hearing loss 1A (DFNB1A). Also called: GJB6-Related DFNB 1 Nonsyndromic Hearing Loss and Deafness; Deafness, autosomal recessive 1A; Nonsyndromic Hearing Loss and Deafness, DFNB1; GJB2-Related Autosomal Recessive Nonsyndromic Hearing Loss; Connexin 26 deafness; Deafness nonsyndromic, Connexin 26 linked. Identifiers: Orphanet 90636, MedGen C2673759, MONDO:0009076, OMIM 220290.

Submissions (3):

Myriad Genetics, Inc.
Classification: Uncertain significance for Nonsyndromic genetic hearing loss. Last evaluated: 2025-10-02. Review status: criteria provided, single submitter. Criteria: Myriad Autosomal Dominant, Autosomal Recessive and X-Linked Classification Criteria (2023). Collection method: clinical testing. Allele origin: unknown.
Comment: NM_004004.5(GJB2):c.614T>C(L205P) is a missense variant classified as a variant of uncertain significance in the context of nonsyndromic hearing loss, GJB2-related. L205P has been observed in cases with relevant disease (PMID: 15811717, 28405014). Relevant functional assessments of this variant are available in the literature (PMID: 23967136). L205P has not been observed in referenced population frequency databases. In summary, there is insufficient evidence to classify NM_004004.5(GJB2):c.614T>C(L205P) as pathogenic or benign. Please note: this variant was assessed in the context of healthy population screening.

Women's Health and Genetics/Laboratory Corporation of America, LabCorp
Classification: Likely pathogenic for Autosomal recessive nonsyndromic hearing loss 1A. Last evaluated: 2024-12-05. Review status: criteria provided, single submitter. Criteria: LabCorp Variant Classification Summary - May 2015. Collection method: clinical testing. Allele origin: germline.
Comment: Variant summary: GJB2 c.614T>C (p.Leu205Pro) results in a non-conservative amino acid change located in the Gap junction channel protein cysteine-rich domain (IPR019570) of the encoded protein sequence. Five of five in-silico tools predict a damaging effect of the variant on protein function. The variant was absent in 251110 control chromosomes. c.614T>C has been reported in the literature in the compound heterozygous or homozygous state in at least 2 individuals affected with autosomal recessive nonsyndromic deafness (example, Bliznetz_2012, Bliznetz_2017, Leshinsky-Silver_2005). These data indicate that the variant may be associated with disease. At least one publication reports experimental evidence evaluating an impact on protein function. The most pronounced variant effect results in total loss of trafficking to the cell membrane in vitro, which is consistent with an expected loss of normal channel function (example, Ambrosi_2013). The following publications have been ascertained in the context of this evaluation (PMID: 23967136, 28405014, 22567861, 15811717). No submitters have cited clinical-significance assessments for this variant to ClinVar. Based on the evidence outlined above, the variant was classified as likely pathogenic.

GeneDx
Classification: Pathogenic. Last evaluated: 2024-07-17. Review status: criteria provided, single submitter. Criteria: GeneDx Variant Classification Process June 2021. Collection method: clinical testing. Allele origin: germline. Affected: yes.
Comment: Published functional studies demonstrate retention within the ER and protein aggregation within the cytoplasm (PMID: 23967136); Not observed at significant frequency in large population cohorts (gnomAD); In silico analysis supports that this missense variant has a deleterious effect on protein structure/function; This variant is associated with the following publications: (PMID: 15811717, 22567861, 25388846, 36048236, 23967136)

Literature cited by the submitters: PubMed 15811717 (cited by Myriad Genetics, Inc. and Women's Health and Genetics/Laboratory Corporation of America, LabCorp); PubMed 23967136 (cited by Myriad Genetics, Inc. and Women's Health and Genetics/Laboratory Corporation of America, LabCorp); PubMed 28405014 (cited by Myriad Genetics, Inc. and Women's Health and Genetics/Laboratory Corporation of America, LabCorp); PubMed 22567861 (cited by Women's Health and Genetics/Laboratory Corporation of America, LabCorp).

NM_004004.6(GJB2):c.614T>C (p.Leu205Pro)

Gene: GJB2 (gap junction protein beta 2; minus strand). Cytogenetic location: 13q12.11.
Variant type: single nucleotide variant.
Coding change: c.614T>C on transcript NM_004004.6 (MANE Select); coding-DNA position 614, T replaced by C.
Protein change: p.Leu205Pro; replaces leucine 205 with proline.
Molecular consequence: missense variant.
Genome position (GRCh38, 1-based): chr13:20,188,968, A>G on the plus strand (T>C on the coding strand, the complement: GJB2 is on the minus strand). VCF-style: chr13-20188968-A-G. GRCh37 (hg19) VCF-style: chr13-20763107-A-G.
Other names: short protein forms L205P.
Identifiers: ClinVar variation 3573476 (VCV003573476.3).